The following is an entry in ClinVar:

ClinVar aggregate classification (germline): Uncertain significance. Review status: criteria provided, multiple submitters, no conflicts (2 of 4 stars). 2 submissions from 2 submitters: Uncertain significance (2). Last evaluated 2026-04-15.

gnomAD v4.1: 13 of 1,614,222 alleles (0.00081%); highest among the groups gnomAD compares: Admixed American, 0.017%; no homozygotes.

Submissions (2):

Women's Health and Genetics/Laboratory Corporation of America, LabCorp
Classification: Uncertain significance. Last evaluated: 2026-04-15. Review status: criteria provided, single submitter. Criteria: LabCorp Variant Classification Summary - May 2015. Collection method: clinical testing. Allele origin: germline.
Comment: Variant summary: LAMA1 c.6131C>G (p.Ser2044Cys) results in a non-conservative amino acid change in the encoded protein sequence. Algorithms developed to predict the effect of missense changes on protein structure and function are either unavailable or do not agree on the potential impact of this missense change. The variant allele was found at a frequency of 3.6e-05 in 251466 control chromosomes. The available data on variant occurrences in the general population are insufficient to allow any conclusion about variant significance. To our knowledge, no occurrence of c.6131C>G in individuals affected with LAMA1-related conditions and no experimental evidence demonstrating its impact on protein function have been reported. ClinVar contains an entry for this variant (Variation ID: 1949014). Based on the evidence outlined above, the variant was classified as uncertain significance.

Labcorp Genetics (formerly Invitae), Labcorp
Classification: Uncertain significance. Last evaluated: 2022-11-25. Review status: criteria provided, single submitter. Criteria: Invitae Variant Classification Sherloc (09022015). Collection method: clinical testing. Allele origin: germline.
Comment: Advanced modeling of protein sequence and biophysical properties (such as structural, functional, and spatial information, amino acid conservation, physicochemical variation, residue mobility, and thermodynamic stability) performed at Invitae indicates that this missense variant is not expected to disrupt LAMA1 protein function. In summary, the available evidence is currently insufficient to determine the role of this variant in disease. Therefore, it has been classified as a Variant of Uncertain Significance. This variant has not been reported in the literature in individuals affected with LAMA1-related conditions. This sequence change replaces serine, which is neutral and polar, with cysteine, which is neutral and slightly polar, at codon 2044 of the LAMA1 protein (p.Ser2044Cys). This variant is present in population databases (rs142732096, gnomAD 0.03%).

NM_005559.4(LAMA1):c.6131C>G (p.Ser2044Cys)

Gene: LAMA1 (laminin subunit alpha 1; minus strand). Cytogenetic location: 18p11.31.
Variant type: single nucleotide variant.
Coding change: c.6131C>G on transcript NM_005559.4 (MANE Select); coding-DNA position 6131, C replaced by G.
Protein change: p.Ser2044Cys; replaces serine 2044 with cysteine.
Molecular consequence: missense variant.
Genome position (GRCh38, 1-based): chr18:6,978,255, G>C on the plus strand (C>G on the coding strand, the complement: LAMA1 is on the minus strand). VCF-style: chr18-6978255-G-C. GRCh37 (hg19) VCF-style: chr18-6978254-G-C.
Other names: short protein forms S2044C.
Identifiers: ClinVar variation 1949014 (VCV001949014.5), dbSNP rs142732096, ClinGen allele CA8881349.